The following is an entry in ClinVar:

NM_004304.5(ALK):c.3436C>A (p.Gln1146Lys)

Gene: ALK (ALK receptor tyrosine kinase; minus strand). Cytogenetic location: 2p23.2.
Variant type: single nucleotide variant.
Coding change: c.3436C>A on transcript NM_004304.5 (MANE Select); coding-DNA position 3436, C replaced by A.
Protein change: p.Gln1146Lys; replaces glutamine 1146 with lysine.
Molecular consequence: missense variant.
Genome position (GRCh38, 1-based): chr2:29,222,531, G>T on the plus strand (C>A on the coding strand, the complement: ALK is on the minus strand). VCF-style: chr2-29222531-G-T. GRCh37 (hg19) VCF-style: chr2-29445397-G-T.
Other names: c.232C>A, p.Gln78Lys (NM_001353765.2); c.3436C>A (NM_004304.4); short protein forms Q1146K, Q78K.
Identifiers: ClinVar variation 1372612 (VCV001372612.7), dbSNP rs2148169149, ClinGen allele CA346463633.
Genomic context (GRCh38, chr2:29,222,531, plus strand): 5'-AGAGTCCGCAAGCCAAGGGCAGGCTCAAGAGTGAGCCACTTCTTACCTTCACAGCCACTT[G>T]CAGGGGGCTTGGGTCGTTGGGCATTCCGGACACCTGGCCTTCATACACCTCCCCAAAGGC-3'
Protein context (NP_004295.2, residues 1136-1156): SGMPNDPSPL[Gln1146Lys]VAVKTLPEVC

ClinVar aggregate classification (germline): Uncertain significance. Review status: criteria provided, multiple submitters, no conflicts (2 of 4 stars). 2 submissions from 2 submitters: Uncertain significance (2). Last evaluated 2024-05-01.

Conditions:
Hereditary cancer-predisposing syndrome. Also called: Hereditary neoplastic syndrome; Hereditary Cancer Syndrome; Neoplastic Syndromes, Hereditary; Tumor predisposition. Identifiers: Orphanet 140162, MedGen C0027672, MeSH D009386, MONDO:0015356.
Neuroblastoma, susceptibility to, 3. Also called: ALK-Related Neuroblastic Tumor Susceptibility. Identifiers: Orphanet 635, MedGen C2751681, MONDO:0013083, OMIM 613014.

gnomAD v4.1: 1 of 1,614,172 alleles (0.000062%); no homozygotes.

Submissions (2):

Ambry Genetics
Classification: Uncertain significance for Hereditary cancer-predisposing syndrome. Last evaluated: 2024-05-01. Review status: criteria provided, single submitter. Criteria: Ambry Variant Classification Scheme 2023. Collection method: clinical testing. Allele origin: germline.
Comment: The p.Q1146K variant (also known as c.3436C>A), located in coding exon 21 of the ALK gene, results from a C to A substitution at nucleotide position 3436. The glutamine at codon 1146 is replaced by lysine, an amino acid with similar properties. This amino acid position is well conserved in available vertebrate species. In addition, the in silico prediction for this alteration is inconclusive. Based on the available evidence, the clinical significance of this variant remains unclear.

Labcorp Genetics (formerly Invitae), Labcorp
Classification: Uncertain significance for Neuroblastoma, susceptibility to, 3. Last evaluated: 2023-11-25. Review status: criteria provided, single submitter. Criteria: Invitae Variant Classification Sherloc (09022015). Collection method: clinical testing. Allele origin: germline.
Comment: This sequence change replaces glutamine, which is neutral and polar, with lysine, which is basic and polar, at codon 1146 of the ALK protein (p.Gln1146Lys). This variant is not present in population databases (gnomAD no frequency). This variant has not been reported in the literature in individuals affected with ALK-related conditions. ClinVar contains an entry for this variant (Variation ID: 1372612). An algorithm developed to predict the effect of missense changes on protein structure and function (PolyPhen-2) suggests that this variant is likely to be disruptive. In summary, the available evidence is currently insufficient to determine the role of this variant in disease. Therefore, it has been classified as a Variant of Uncertain Significance.